The following is an entry in ClinVar:

NM_022772.4(EPS8L2):c.421C>T (p.Gln141Ter)

Gene: EPS8L2 (EPS8 signaling adaptor L2; plus strand). Cytogenetic location: 11p15.5.
Variant type: single nucleotide variant.
Coding change: c.421C>T on transcript NM_022772.4 (MANE Select); coding-DNA position 421, C replaced by T.
Protein change: p.Gln141Ter; replaces glutamine 141 with a stop codon.
Molecular consequence: nonsense.
Genome position (GRCh38, 1-based): chr11:720,690, C>T. VCF-style: chr11-720690-C-T. GRCh37 (hg19) VCF-style: chr11-720690-C-T.
Other names: short protein forms Q141*.
Identifiers: ClinVar variation 2029463 (VCV002029463.4), dbSNP rs2494631340, ClinGen allele CA378964682.

ClinVar aggregate classification (germline): Pathogenic (1 of 4 stars; one submission).

Allele frequency attached by ClinVar (database versions not stated): gnomAD exomes below 0.00001.

Submission:

Labcorp Genetics (formerly Invitae), Labcorp
Classification: Pathogenic. Last evaluated: 2022-09-07. Review status: criteria provided, single submitter. Criteria: Invitae Variant Classification Sherloc (09022015). Collection method: clinical testing. Allele origin: germline.
Comment: For these reasons, this variant has been classified as Pathogenic. This variant has not been reported in the literature in individuals affected with EPS8L2-related conditions. This variant is not present in population databases (gnomAD no frequency). This sequence change creates a premature translational stop signal (p.Gln141*) in the EPS8L2 gene. It is expected to result in an absent or disrupted protein product. Loss-of-function variants in EPS8L2 are known to be pathogenic (PMID: 26282398, 28281779).

Literature cited by the submitters: PubMed 26282398; PubMed 28281779.